The following is an entry in ClinVar:

NM_003172.4(SURF1):c.723A>G (p.Ala241=)

Gene: SURF1 (SURF1 cytochrome c oxidase assembly factor; minus strand). Cytogenetic location: 9q34.2.
Variant type: single nucleotide variant.
Coding change: c.723A>G on transcript NM_003172.4 (MANE Select); coding-DNA position 723, A replaced by G.
Protein change: p.Ala241=; no amino-acid change (alanine 241 retained).
Molecular consequence: synonymous variant.
Genome position (GRCh38, 1-based): chr9:133,352,474, T>C on the plus strand (A>G on the coding strand, the complement: SURF1 is on the minus strand). VCF-style: chr9-133352474-T-C. GRCh37 (hg19) VCF-style: chr9-136219329-T-C.
Other names: c.396A>G, p.Ala132= (NM_001280787.1).
Identifiers: ClinVar variation 2071463 (VCV002071463.8), dbSNP rs1173168694, ClinGen allele CA860707796.
Genomic context (GRCh38, chr9:133,352,474, plus strand): 5'-CTTGTTCCGAGATGGGCTGGTCCACAACGTACGGAAGTTGGCATCAATGAAGATGGGCTC[T>C]GCGCCTGTGATTCTGGCCATAGCTTCCAGGTCTCGATAATGCCAGTGGTTCCTTTCTGGA-3'
Protein context (NP_003163.1, residues 231-251): DLEAMARITG[Ala241=]EPIFIDANFQ

ClinVar aggregate classification (germline): Likely benign. Review status: criteria provided, multiple submitters, no conflicts (2 of 4 stars). 2 submissions from 2 submitters: Likely benign (2). Last evaluated 2025-11-01.

Conditions:
Leigh syndrome (NULS). Also called: Subacute necrotizing encephalopathy; Necrotizing encephalopathy infantile subacute of Leigh; LEIGH SYNDROME, NUCLEAR; Leigh's syndrome; Leigh Disease; Leigh's necrotizing encephalopathy. Identifiers: Orphanet 506, MedGen C2931891, MONDO:0009723, OMIM 256000.

Allele frequency attached by ClinVar (database versions not stated): gnomAD exomes 0.00001; gnomAD 0.00002; TOPMed 0.00003.

Submissions (2):

CeGaT Center for Human Genetics Tuebingen
Classification: Likely benign. Last evaluated: 2025-11-01. Review status: criteria provided, single submitter. Criteria: CeGaT Center For Human Genetics Tuebingen Variant Classification Criteria Version 2. Collection method: clinical testing. Allele origin: germline. Affected: yes. Observed: 1 variant allele.
Comment: SURF1: BP4, BP7

Labcorp Genetics (formerly Invitae), Labcorp
Classification: Likely benign for Leigh syndrome. Last evaluated: 2025-10-28. Review status: criteria provided, single submitter. Criteria: Invitae Variant Classification Sherloc (09022015). Collection method: clinical testing. Allele origin: germline.